The following is an entry in ClinVar:

NM_207352.4(CYP4V2):c.694C>T (p.Arg232Ter)

Gene: CYP4V2 (cytochrome P450 family 4 subfamily V member 2; plus strand). Cytogenetic location: 4q35.1.
Variant type: single nucleotide variant.
Coding change: c.694C>T on transcript NM_207352.4 (MANE Select); coding-DNA position 694, C replaced by T.
Protein change: p.Arg232Ter; replaces arginine 232 with a stop codon.
Molecular consequence: nonsense.
Genome position (GRCh38, 1-based): chr4:186,198,976, C>T. VCF-style: chr4-186198976-C-T. GRCh37 (hg19) VCF-style: chr4-187120130-C-T.
Other names: short protein forms R232*.
Identifiers: ClinVar variation 866939 (VCV000866939.18), dbSNP rs369063468, ClinGen allele CA3162637.

ClinVar aggregate classification (germline): Pathogenic. Review status: criteria provided, multiple submitters, no conflicts (2 of 4 stars). 8 submissions from 8 submitters: Pathogenic (8). Last evaluated 2026-04-17.

Conditions:
Bietti crystalline corneoretinal dystrophy (BCD). Also called: Bietti Crystalline Dystrophy; BIETTI TAPETORETINAL DEGENERATION WITH MARGINAL CORNEAL DYSTROPHY. Identifiers: Orphanet 41751, MedGen C1859486, MONDO:0008865, OMIM 210370.
CYP4V2-related disorder. Also called: CYP4V2-related condition; CYP4V2-related disorders.
Retinal dystrophy. Also called: Inherited retinal dystrophy. Identifiers: Orphanet 71862, MedGen C0854723, MeSH D058499, MONDO:0019118, HP:0000556.

Allele frequency attached by ClinVar (database versions not stated): gnomAD exomes 0.00002 and 0.00001; TOPMed 0.00003; gnomAD 0.00002; ExAC 0.00003; ESP Exome Variant Server 0.00008.

Submissions (8):

GeneDx
Classification: Pathogenic. Last evaluated: 2026-04-17. Review status: criteria provided, single submitter. Criteria: GeneDx Variant Classification Process June 2021. Collection method: clinical testing. Allele origin: germline.
Comment: Nonsense variant predicted to result in protein truncation or nonsense mediated decay in a gene for which loss of function is a known mechanism of disease; This variant is associated with the following publications: (PMID: 31964843, 39843441, 33090715, 25356976, 36460718, 23221965, 28051075, 34923510, 33608557)

PreventionGenetics, part of Exact Sciences
Classification: Pathogenic for CYP4V2-related condition. Last evaluated: 2025-11-07. Review status: criteria provided, single submitter. Criteria: ACMG Guidelines, 2015. Collection method: clinical testing. Allele origin: germline.
Comment: The CYP4V2 c.694C>T variant is predicted to result in premature protein termination (p.Arg232*). This variant was reported, in the homozygous state or in the heterozygous state with a second potentially causative variant in the same gene, in individuals with autosomal recessive Bietti crystalline corneoretinal dystrophy (see, for example, Rossi et al. 2013. PubMed ID: 23221965; supplementary data, Huang et al. 2014. PubMed ID: 25356976). This variant is reported in 0.0087% of alleles in individuals of Latino descent in gnomAD. Nonsense variants in CYP4V2 are expected to be pathogenic. This variant is interpreted as pathogenic.

Dasa
Classification: Pathogenic. Last evaluated: 2025-06-13. Review status: criteria provided, single submitter. Criteria: DASA Assertion Criteria. Collection method: clinical testing. Allele origin: germline.
Comment: NM_207352.4(CYP4V2):c.694C>T (p.Arg232*) introduces a premature termination codon predicted to result in loss of normal protein function. Loss-of-function is an established mechanism of disease for this gene. Segregation evidence has been reported in affected families. This variant has been observed in affected individuals with related phenotype in a genotype context consistent with recessive disease (PMID: 23221965; PMID: 25356976). This variant has been recurrently observed in individuals with related phenotype (PMID: 23221965; PMID: 25356976). The variant is present at low frequency in population datasets. Based on the available data, this variant is classified as pathogenic.

Labcorp Genetics (formerly Invitae), Labcorp
Classification: Pathogenic. Last evaluated: 2025-04-16. Review status: criteria provided, single submitter. Criteria: Invitae Variant Classification Sherloc (09022015). Collection method: clinical testing. Allele origin: germline.
Comment: This sequence change creates a premature translational stop signal (p.Arg232*) in the CYP4V2 gene. It is expected to result in an absent or disrupted protein product. Loss-of-function variants in CYP4V2 are known to be pathogenic (PMID: 15042513, 25118264). This variant is present in population databases (rs369063468, gnomAD 0.009%). This premature translational stop signal has been observed in individuals with a diagnosis of, or clinical features of, Bietti crystalline dystrophy (PMID: 23221965, 25356976). ClinVar contains an entry for this variant (Variation ID: 866939). Algorithms developed to predict the effect of sequence changes on RNA splicing suggest that this variant may disrupt the consensus splice site. For these reasons, this variant has been classified as Pathogenic.

3billion
Classification: Pathogenic for Bietti crystalline corneoretinal dystrophy. Last evaluated: 2025-04-11. Review status: criteria provided, single submitter. Criteria: ACMG Guidelines, 2015. Collection method: clinical testing. Allele origin: germline. Affected: yes.
Comment: The variant is observed at an extremely low frequency in the gnomAD v4.1.0 dataset (total allele frequency: <0.001%). Predicted Consequence/Location: Stop-gained (nonsense): predicted to result in a loss or disruption of normal protein function through nonsense-mediated decay (NMD) or protein truncation. Multiple pathogenic variants are reported downstream of the variant. The variant has been reported at least twice as pathogenic with clinical assertions and evidence for the classification (ClinVar ID: VCV000866939 / PMID: 23221965 / 3billion dataset). Therefore, this variant is classified as Pathogenic according to the recommendation of ACMG/AMP guideline.

Dept Of Ophthalmology, Nagoya University
Classification: Pathogenic for Retinal dystrophy. Last evaluated: 2023-10-01. Review status: criteria provided, single submitter. Criteria: Submitter's publication. Collection method: research. Allele origin: germline. Affected: yes.

Blueprint Genetics
Classification: Pathogenic for CYP4V2-related disorders. Last evaluated: 2021-07-19. Review status: criteria provided, single submitter. Criteria: ACMG Guidelines, 2015. Collection method: clinical testing. Allele origin: germline. Affected: yes. Observed: 4 variant alleles.

Institute of Human Genetics, Univ. Regensburg, Univ. Regensburg
Classification: Pathogenic for Retinal dystrophy. Last evaluated: 2021-01-01. Review status: criteria provided, single submitter. Criteria: ACMG Guidelines, 2015. Collection method: clinical testing. Allele origin: germline. Affected: yes.

Literature cited by the submitters: PubMed 23221965 (cited by 4 submitters); PubMed 25356976 (cited by 3 submitters); PubMed 15042513 (cited by Labcorp Genetics (formerly Invitae), Labcorp); PubMed 25118264 (cited by Labcorp Genetics (formerly Invitae), Labcorp); PubMed 31964843 (cited by Institute of Human Genetics, Univ. Regensburg, Univ. Regensburg); PubMed 33090715 (cited by Institute of Human Genetics, Univ. Regensburg, Univ. Regensburg); PubMed 34923510 (cited by Institute of Human Genetics, Univ. Regensburg, Univ. Regensburg); PubMed 36460718 (cited by Institute of Human Genetics, Univ. Regensburg, Univ. Regensburg).